The following is an entry in ClinVar:

ClinVar aggregate classification (germline): Pathogenic (1 of 4 stars; one submission).

Conditions:
Periodontitis, aggressive. Identifiers: MedGen C0031106, MONDO:0980757.
Papillon-Lefèvre syndrome (PALS). Also called: KERATOSIS PALMOPLANTARIS WITH PERIODONTOPATHIA; Papillon-Lefevre Disease. Identifiers: Orphanet 678, MedGen C0030360, MONDO:0009490, OMIM 245000.
Haim-Munk syndrome (HMS). Also called: COCHIN JEWISH DISORDER; KERATOSIS PALMOPLANTARIS WITH PERIODONTOPATHIA AND ONYCHOGRYPOSIS. Identifiers: Orphanet 2342, MedGen C1855627, MONDO:0009491, OMIM 245010.

Submission:

Labcorp Genetics (formerly Invitae), Labcorp
Classification: Pathogenic for Haim-Munk syndrome; Periodontitis, aggressive; Papillon-Lefèvre syndrome. Last evaluated: 2024-05-23. Review status: criteria provided, single submitter. Criteria: Invitae Variant Classification Sherloc (09022015). Collection method: clinical testing. Allele origin: germline.
Comment: This sequence change creates a premature translational stop signal (p.Trp237*) in the CTSC gene. It is expected to result in an absent or disrupted protein product. Loss-of-function variants in CTSC are known to be pathogenic (PMID: 10662808, 11106356, 11886537). This variant is not present in population databases (gnomAD no frequency). This premature translational stop signal has been observed in individual(s) with CTSC-related conditions (PMID: 29925593). For these reasons, this variant has been classified as Pathogenic.

Literature cited by the submitters: PubMed 10662808; PubMed 11106356; PubMed 11886537; PubMed 29925593.

NM_001814.6(CTSC):c.711G>A (p.Trp237Ter)

Gene: CTSC (cathepsin C; minus strand). Cytogenetic location: 11q14.2.
Variant type: single nucleotide variant.
Coding change: c.711G>A on transcript NM_001814.6 (MANE Select); coding-DNA position 711, G replaced by A.
Protein change: p.Trp237Ter; replaces tryptophan 237 with a stop codon.
Molecular consequence: nonsense.
Genome position (GRCh38, 1-based): chr11:88,300,576, C>T on the plus strand (G>A on the coding strand, the complement: CTSC is on the minus strand). VCF-style: chr11-88300576-C-T. GRCh37 (hg19) VCF-style: chr11-88033744-C-T.
Other names: short protein forms W237*.
Identifiers: ClinVar variation 3756493 (VCV003756493.2).
Genomic context (GRCh38, chr11:88,300,576, plus strand): 5'-GCTTATTTTTTTACCTTGGTTTCGAACAGGACTGACAAAATTGATACCATGAACATTTCT[C>T]CAGTCCCAAGATGTTGGCAAATGCAAAATCTTTTGCTGTATTTCAGCAGTCAGTGGTGCA-3'